The following is an entry in ClinVar:

ClinVar aggregate classification (germline): Pathogenic/Likely pathogenic. Review status: criteria provided, multiple submitters, no conflicts (2 of 4 stars). 3 submissions from 3 submitters: Pathogenic (2); Likely pathogenic (1). Last evaluated 2024-02-02.

Conditions:
STK11-related disorder. Also called: STK11-related condition.
Peutz-Jeghers syndrome (PJS). Also called: Peutz-Jeghers polyposis; Periorificial lentiginosis syndrome; POLYPOSIS, HAMARTOMATOUS INTESTINAL; POLYPS-AND-SPOTS SYNDROME. Identifiers: Orphanet 2869, MedGen C0031269, MeSH D010580, MONDO:0008280, OMIM 175200.
Hereditary cancer-predisposing syndrome. Also called: Tumor predisposition; Hereditary Cancer Syndrome; Hereditary neoplastic syndrome; Neoplastic Syndromes, Hereditary. Identifiers: Orphanet 140162, MedGen C0027672, MeSH D009386, MONDO:0015356.

Submissions (3):

Blueprint Genetics
Classification: Likely pathogenic for STK11-related disorders. Last evaluated: 2024-02-02. Review status: criteria provided, single submitter. Criteria: ACMG Guidelines, 2015. Collection method: clinical testing. Allele origin: germline. Affected: yes. Observed: 1 variant allele.

Labcorp Genetics (formerly Invitae), Labcorp
Classification: Pathogenic for Peutz-Jeghers syndrome. Last evaluated: 2022-10-30. Review status: criteria provided, single submitter. Criteria: Invitae Variant Classification Sherloc (09022015). Collection method: clinical testing. Allele origin: germline.
Comment: This sequence change creates a premature translational stop signal (p.Asn181Glufs*85) in the STK11 gene. It is expected to result in an absent or disrupted protein product. Loss-of-function variants in STK11 are known to be pathogenic (PMID: 15188174, 16287113). This variant is not present in population databases (gnomAD no frequency). This variant has not been reported in the literature in individuals affected with STK11-related conditions. ClinVar contains an entry for this variant (Variation ID: 428775). For these reasons, this variant has been classified as Pathogenic.

Ambry Genetics
Classification: Pathogenic for Hereditary cancer-predisposing syndrome. Last evaluated: 2016-11-02. Review status: criteria provided, single submitter. Criteria: Ambry Variant Classification Scheme 2023. Collection method: clinical testing. Allele origin: germline.
Comment: The c.540dupG pathogenic mutation, located in coding exon 4 of the STK11 gene, results from a duplication of G at nucleotide position 540, causing a translational frameshift with a predicted alternate stop codon. This alteration is expected to result in loss of function by premature protein truncation or nonsense-mediated mRNA decay. As such, this alteration is interpreted as a disease-causing mutation.

Literature cited by the submitters: PubMed 15188174 (cited by Labcorp Genetics (formerly Invitae), Labcorp); PubMed 16287113 (cited by Labcorp Genetics (formerly Invitae), Labcorp).

NM_000455.5(STK11):c.540dup (p.Asn181fs)

Gene: STK11 (serine/threonine kinase 11; plus strand). Cytogenetic location: 19p13.3.
Variant type: Duplication.
Coding change: c.540dup on transcript NM_000455.5 (MANE Select); coding-DNA position 540, one base duplicated (G; older notation c.540dupG).
Protein change: p.Asn181fs; shifts the reading frame from asparagine 181.
Molecular consequence: frameshift variant.
Genome position (GRCh38, 1-based): chr19:1,220,448, G duplicated; the last of 4 consecutive G bases (chr19:1,220,445-1,220,448); duplicating any one gives the same sequence. VCF-style (leftmost placement, unchanged base first): chr19-1220444-C-CG. GRCh37 (hg19) VCF-style: chr19-1220443-C-CG.
Other names: c.540dupG (NM_000455.4); short protein forms N181fs.
Identifiers: ClinVar variation 428775 (VCV000428775.9), dbSNP rs1131690939, ClinGen allele CA645369765.
Genomic context (GRCh38, chr19:1,220,444, plus strand): 5'-AGCTGATTGACGGCCTGGAGTACCTGCATAGCCAGGGCATTGTGCACAAGGACATCAAGC[C>CG]GGGGAACCTGCTGCTCACCACCGGTGGCACCCTCAAAATCTCCGACCTGGGCGTGGCCGA-3'